The following is an entry in ClinVar:

NM_020928.2(ZSWIM6):c.2703+5A>G

Gene: ZSWIM6 (zinc finger SWIM-type containing 6; plus strand). Cytogenetic location: 5q12.1.
Variant type: single nucleotide variant.
Coding change: c.2703+5A>G on transcript NM_020928.2 (MANE Select); 5 bases into the intron after coding-DNA position 2703, A replaced by G.
Molecular consequence: intron variant.
Genome position (GRCh38, 1-based): chr5:61,539,764, A>G. VCF-style: chr5-61539764-A-G. GRCh37 (hg19) VCF-style: chr5-60835591-A-G.
Identifiers: ClinVar variation 2012144 (VCV002012144.4), dbSNP rs1191898299, ClinGen allele CA559990457.

ClinVar aggregate classification (germline): Uncertain significance (1 of 4 stars; one submission).

Allele frequency attached by ClinVar (database versions not stated): TOPMed below 0.00001.
gnomAD v4.1: 1 of 1,549,510 alleles (0.000065%); highest among the groups gnomAD compares: Non-Finnish European, 0.000087%; no homozygotes.

Submission:

Labcorp Genetics (formerly Invitae), Labcorp
Classification: Uncertain significance. Last evaluated: 2023-07-17. Review status: criteria provided, single submitter. Criteria: Invitae Variant Classification Sherloc (09022015). Collection method: clinical testing. Allele origin: germline.
Comment: The frequency data for this variant in the population databases is considered unreliable, as metrics indicate poor data quality at this position in the gnomAD database. In summary, the available evidence is currently insufficient to determine the role of this variant in disease. Therefore, it has been classified as a Variant of Uncertain Significance. Variants that disrupt the consensus splice site are a relatively common cause of aberrant splicing (PMID: 17576681, 9536098). Algorithms developed to predict the effect of sequence changes on RNA splicing suggest that this variant is not likely to affect RNA splicing. ClinVar contains an entry for this variant (Variation ID: 2012144). This variant has not been reported in the literature in individuals affected with ZSWIM6-related conditions. This sequence change falls in intron 12 of the ZSWIM6 gene. It does not directly change the encoded amino acid sequence of the ZSWIM6 protein. It affects a nucleotide within the consensus splice site.

Literature cited by the submitters: PubMed 17576681; PubMed 9536098.